The following is an entry in ClinVar:

NM_001042492.3(NF1):c.127C>G (p.Leu43Val)

Gene: NF1 (neurofibromin 1; plus strand). Cytogenetic location: 17q11.2.
Variant type: single nucleotide variant.
Coding change: c.127C>G on transcript NM_001042492.3 (MANE Select); coding-DNA position 127, C replaced by G.
Protein change: p.Leu43Val; replaces leucine 43 with valine.
Molecular consequence: missense variant.
Genome position (GRCh38, 1-based): chr17:31,156,049, C>G. VCF-style: chr17-31156049-C-G. GRCh37 (hg19) VCF-style: chr17-29483067-C-G.
Other names: c.127C>G, p.Leu43Val (NM_000267.4, NM_001128147.3); short protein forms L43V.
Identifiers: ClinVar variation 3404578 (VCV003404578.3).

ClinVar aggregate classification (germline): Conflicting classifications of pathogenicity. Review status: criteria provided, conflicting classifications (1 of 4 stars). 3 submissions from 3 submitters: Likely pathogenic (1); Uncertain significance (2). Last evaluated 2025-05-19.

Conditions:
Hereditary cancer-predisposing syndrome. Also called: Hereditary Cancer Syndrome; Tumor predisposition; Hereditary neoplastic syndrome; Neoplastic Syndromes, Hereditary. Identifiers: Orphanet 140162, MedGen C0027672, MeSH D009386, MONDO:0015356.
Cardiovascular phenotype. Identifiers: MedGen CN230736.

Submissions (3):

GeneDx
Classification: Uncertain significance. Last evaluated: 2025-05-19. Review status: criteria provided, single submitter. Criteria: GeneDx Variant Classification Process June 2021. Collection method: clinical testing. Allele origin: germline. Affected: yes.
Comment: Not observed at significant frequency in large population cohorts (gnomAD); In silico analysis suggests that this missense variant does not alter protein structure/function; Has not been previously published as pathogenic or benign to our knowledge

Unidad de Genética Molecular HGU Elche, Hospital General Universitario de Elche
Classification: Likely pathogenic for Hereditary cancer-predisposing syndrome. Last evaluated: 2025-05-05. Review status: criteria provided, single submitter. Criteria: ACMG Guidelines, 2015. Collection method: clinical testing. Allele origin: germline. Affected: yes.
Comment: PM5 strong; PM1 moderate; PM2 supporting

Ambry Genetics
Classification: Uncertain significance for Cardiovascular phenotype; Hereditary cancer-predisposing syndrome. Last evaluated: 2024-10-05. Review status: criteria provided, single submitter. Criteria: Ambry Variant Classification Scheme 2023. Collection method: clinical testing. Allele origin: germline.
Comment: The p.L43V variant (also known as c.127C>G), located in coding exon 2 of the NF1 gene, results from a C to G substitution at nucleotide position 127. The leucine at codon 43 is replaced by valine, an amino acid with highly similar properties. This amino acid position is highly conserved in available vertebrate species. In addition, the in silico prediction for this alteration is inconclusive. Based on the available evidence, the clinical significance of this variant remains unclear.